The following is an entry in ClinVar:

NM_032119.4(ADGRV1):c.466G>A (p.Ala156Thr)

Gene: ADGRV1 (adhesion G protein-coupled receptor V1; plus strand). Cytogenetic location: 5q14.3.
Variant type: single nucleotide variant.
Coding change: c.466G>A on transcript NM_032119.4 (MANE Select); coding-DNA position 466, G replaced by A.
Protein change: p.Ala156Thr; replaces alanine 156 with threonine.
Molecular consequence: missense variant. On other transcripts: non-coding transcript variant (1).
Genome position (GRCh38, 1-based): chr5:90,622,609, G>A. VCF-style: chr5-90622609-G-A. GRCh37 (hg19) VCF-style: chr5-89918426-G-A.
Other names: short protein forms A156T.
Identifiers: ClinVar variation 227406 (VCV000227406.19), dbSNP rs201180985, ClinGen allele CA3338481.

ClinVar aggregate classification (germline): Conflicting classifications of pathogenicity. Review status: criteria provided, conflicting classifications (1 of 4 stars). 7 submissions from 7 submitters: Uncertain significance (2); Likely benign (5). Last evaluated 2026-06-20.

Conditions:
ADGRV1-related disorder. Also called: ADGRV1-related condition; ADGRV1-related disorders.
Inborn genetic diseases. Identifiers: MedGen C0950123, MeSH D030342.

Allele frequency attached by ClinVar (database versions not stated): TOPMed 0.00006; gnomAD 0.00010; ESP Exome Variant Server 0.00016; gnomAD exomes 0.00019; 1000 Genomes Project 0.00040; ExAC 0.00054; 1000 Genomes Project 30x 0.00062.

Submissions (7):

PreventionGenetics, part of Exact Sciences
Classification: Uncertain significance for ADGRV1-related condition. Last evaluated: 2026-06-20. Review status: criteria provided, single submitter. Criteria: ACMG Guidelines, 2015. Collection method: clinical testing. Allele origin: germline.
Comment: The ADGRV1 c.466G>A variant is predicted to result in the amino acid substitution p.Ala156Thr. To our knowledge, this variant has not been reported in the literature. This variant is reported in 0.12% of alleles in individuals of South Asian descent in gnomAD, which is likely too frequent to be a primary cause of disease. Although we suspect that this variant may be benign, at this time, the clinical significance of this variant is uncertain due to the absence of conclusive functional and genetic evidence.

Labcorp Genetics (formerly Invitae), Labcorp
Classification: Likely benign. Last evaluated: 2026-01-15. Review status: criteria provided, single submitter. Criteria: Invitae Variant Classification Sherloc (09022015). Collection method: clinical testing. Allele origin: germline.

Blueprint Genetics
Classification: Likely benign. Last evaluated: 2024-07-24. Review status: criteria provided, single submitter. Criteria: ACMG Guidelines, 2015. Collection method: clinical testing. Allele origin: germline.

Ambry Genetics
Classification: Likely benign for Inborn genetic diseases. Last evaluated: 2022-12-06. Review status: criteria provided, single submitter. Criteria: Ambry Variant Classification Scheme 2023. Collection method: clinical testing. Allele origin: germline.

Dubai Health Genomic Medicine Center, Dubai Health
Classification: Likely benign. Last evaluated: 2020-02-25. Review status: criteria provided, single submitter. Criteria: ACMG Guidelines, 2015. Collection method: clinical testing. Allele origin: germline. Affected: yes.

Revvity Omics, Revvity
Classification: Uncertain significance. Last evaluated: 2019-05-09. Review status: criteria provided, single submitter. Criteria: ACMG Guidelines, 2015. Collection method: clinical testing. Allele origin: germline.

Laboratory for Molecular Medicine, Mass General Brigham Personalized Medicine
Classification: Likely benign. Last evaluated: 2015-07-01. Review status: criteria provided, single submitter. Criteria: LMM Criteria. Collection method: clinical testing. Allele origin: germline. Observed: 2 variant alleles.
Comment: p.Ala156Thr in exon 5 of GPR98: This variant is not expected to have clinical si gnificance because the alanine (Ala) residue at position 156 is not conserved th rough species, with >10 mammals having a threonine (Thr) at this position. In ad dition, it has been identified in 0.2% (17/7556) of South Asian chromosomes by t he Exome Aggregation Consortium (ExAC; dbSNP rs2 01180985).